The following is an entry in ClinVar:

ClinVar aggregate classification (germline): Uncertain significance (1 of 4 stars; one submission).

Conditions:
Luscan-Lumish syndrome. Identifiers: Orphanet 597738, MedGen C4085873, MONDO:0014791, OMIM 616831.

Allele frequency attached by ClinVar (database versions not stated): gnomAD exomes below 0.00001 and 0.00001; ExAC 0.00001; TOPMed 0.00001.
gnomAD v4.1: 3 of 1,614,162 alleles (0.00019%); highest among the groups gnomAD compares: Non-Finnish European, 0.00025%; no homozygotes.

Submission:

Labcorp Genetics (formerly Invitae), Labcorp
Classification: Uncertain significance for Luscan-Lumish syndrome. Last evaluated: 2019-10-15. Review status: criteria provided, single submitter. Criteria: Invitae Variant Classification Sherloc (09022015). Collection method: clinical testing. Allele origin: germline.
Comment: This sequence change replaces aspartic acid with glycine at codon 1013 of the SETD2 protein (p.Asp1013Gly). The aspartic acid residue is moderately conserved and there is a moderate physicochemical difference between aspartic acid and glycine. In summary, the available evidence is currently insufficient to determine the role of this variant in disease. Therefore, it has been classified as a Variant of Uncertain Significance. Algorithms developed to predict the effect of missense changes on protein structure and function are either unavailable or do not agree on the potential impact of this missense change (SIFT: "Deleterious"; PolyPhen-2: "Benign"; Align-GVGD: "Class C0"). This variant has not been reported in the literature in individuals with SETD2-related conditions. This variant is present in population databases (rs769034482, ExAC 0.002%).

NM_014159.7(SETD2):c.3038A>G (p.Asp1013Gly)

Gene: SETD2 (SET domain containing 2, histone lysine methyltransferase; minus strand). Cytogenetic location: 3p21.31.
Variant type: single nucleotide variant.
Coding change: c.3038A>G on transcript NM_014159.7 (MANE Select); coding-DNA position 3038, A replaced by G.
Protein change: p.Asp1013Gly; replaces aspartic acid 1013 with glycine.
Molecular consequence: missense variant. On other transcripts: non-coding transcript variant (1).
Genome position (GRCh38, 1-based): chr3:47,121,598, T>C on the plus strand (A>G on the coding strand, the complement: SETD2 is on the minus strand). VCF-style: chr3-47121598-T-C. GRCh37 (hg19) VCF-style: chr3-47163088-T-C.
Other names: c.2906A>G, p.Asp969Gly (NM_001349370.3); short protein forms D1013G, D969G.
Identifiers: ClinVar variation 966476 (VCV000966476.6), dbSNP rs769034482, ClinGen allele CA2363443.